The following is an entry in ClinVar:

ClinVar aggregate classification (germline): Likely benign (1 of 4 stars; one submission).

Submission:

CeGaT Center for Human Genetics Tuebingen
Classification: Likely benign. Last evaluated: 2022-12-01. Review status: criteria provided, single submitter. Criteria: CeGaT Center For Human Genetics Tuebingen Variant Classification Criteria Version 2. Collection method: clinical testing. Allele origin: germline. Affected: yes. Observed: 1 variant allele.
Comment: CIC: PM2:Supporting, BP4, BP7

NM_001386298.1(CIC):c.2880C>T (p.Pro960=)

Gene: CIC (capicua transcriptional repressor; plus strand). Cytogenetic location: 19q13.2.
Variant type: single nucleotide variant.
Coding change: c.2880C>T on transcript NM_001386298.1 (MANE Select); coding-DNA position 2880, C replaced by T.
Protein change: p.Pro960=; no amino-acid change (proline 960 retained).
Molecular consequence: synonymous variant.
Genome position (GRCh38, 1-based): chr19:42,286,856, C>T. VCF-style: chr19-42286856-C-T. GRCh37 (hg19) VCF-style: chr19-42791008-C-T.
Other names: c.153C>T, p.Pro51= (NM_001379484.1, NM_001379485.1, NM_015125.5); c.2880C>T, p.Pro960= (NM_001304815.2, NM_001379480.1, NM_001379482.1 and 1 more transcripts).
Identifiers: ClinVar variation 2649974 (VCV002649974.24), dbSNP rs1273105829, ClinGen allele CA507609447.